The following is an entry in ClinVar:

NM_000455.5(STK11):c.*89G>A

Gene: STK11 (serine/threonine kinase 11; plus strand). Cytogenetic location: 19p13.3.
Variant type: single nucleotide variant.
Coding change: c.*89G>A on transcript NM_000455.5 (MANE Select); 89 bases downstream of the stop codon, G replaced by A.
Molecular consequence: 3 prime UTR variant. On other transcripts: non-coding transcript variant (1).
Genome position (GRCh38, 1-based): chr19:1,227,665, G>A. VCF-style: chr19-1227665-G-A. GRCh37 (hg19) VCF-style: chr19-1227664-G-A.
Other names: NC_000019.9:g.1227664G>A.
Identifiers: ClinVar variation 4434282 (VCV004434282.5).

ClinVar aggregate classification (germline): Likely benign (1 of 4 stars; one submission).

gnomAD v4.1: 594 of 1,068,742 alleles (0.056%); highest among the groups gnomAD compares: African/African-American, 0.9%; 3 homozygotes.

Submissions (2):

CeGaT Center for Human Genetics Tuebingen
Classification: Likely benign. Last evaluated: 2026-08-01. Review status: criteria provided, single submitter. Criteria: CeGaT Center For Human Genetics Tuebingen Variant Classification Criteria Version 2. Collection method: clinical testing. Allele origin: germline. Affected: yes. Observed: 2 variant alleles.
Comment: STK11: BS1

Dr. Peter K. Rogan Lab, Western University
No classification provided (evidence only). Condition: Uterine carcinosarcoma. Review status: no classification provided. Collection method: in vitro. Allele origin: not applicable. Functional consequence: retained intron. Not counted in ClinVar's aggregate classification.